The following is an entry in ClinVar:

ClinVar aggregate classification (germline): Uncertain significance (1 of 4 stars; one submission).

Conditions:
Hereditary spastic paraplegia 28. Also called: Spastic paraplegia 28, autosomal recessive. Identifiers: Orphanet 101008, MedGen C1836295, MONDO:0012256, OMIM 609340.

Allele frequency attached by ClinVar (database versions not stated): TOPMed below 0.00001; ExAC 0.00001; gnomAD 0.00001; gnomAD exomes 0.00001.
gnomAD v4.1: 16 of 1,605,618 alleles (0.001%); highest among the groups gnomAD compares: Admixed American, 0.0034%; no homozygotes.

Submission:

Labcorp Genetics (formerly Invitae), Labcorp
Classification: Uncertain significance for Hereditary spastic paraplegia 28. Last evaluated: 2017-02-15. Review status: criteria provided, single submitter. Criteria: Invitae Variant Classification Sherloc (09022015). Collection method: clinical testing. Allele origin: germline.
Comment: In summary, this variant is a rare missense change that is not predicted to affect protein function. There is no indication that it causes disease, but the available evidence is currently insufficient to prove that conclusively. Therefore, it has been classified as a Variant of Uncertain Significance. Algorithms developed to predict the effect of missense changes on protein structure and function (SIFT, PolyPhen-2, Align-GVGD) all suggest that this variant is likely to be tolerated, but these predictions have not been confirmed by published functional studies. This variant is present in population databases (rs767815843, ExAC 0.009%) but has not been reported in the literature in individuals with a DDHD1-related disease. This sequence change replaces alanine with valine at codon 345 of the DDHD1 protein (p.Ala345Val). The alanine residue is highly conserved and there is a small physicochemical difference between alanine and valine.

NM_001160148.2(DDHD1):c.1013C>T (p.Ala338Val)

Gene: DDHD1 (DDHD domain containing 1; minus strand). Cytogenetic location: 14q22.1.
Variant type: single nucleotide variant.
Coding change: c.1013C>T on transcript NM_001160148.2 (MANE Select); coding-DNA position 1013, C replaced by T.
Protein change: p.Ala338Val; replaces alanine 338 with valine.
Molecular consequence: missense variant.
Genome position (GRCh38, 1-based): chr14:53,093,444, G>A on the plus strand (C>T on the coding strand, the complement: DDHD1 is on the minus strand). VCF-style: chr14-53093444-G-A. GRCh37 (hg19) VCF-style: chr14-53560162-G-A.
Other names: c.1034C>T, p.Ala345Val (NM_001160147.2); c.1013C>T, p.Ala338Val (NM_030637.3); short protein forms A338V, A345V.
Identifiers: ClinVar variation 464307 (VCV000464307.8), dbSNP rs767815843, ClinGen allele CA7191335.